The following is an entry in ClinVar:

ClinVar aggregate classification (germline): Conflicting classifications of pathogenicity. Review status: criteria provided, conflicting classifications (1 of 4 stars). 2 submissions from 2 submitters: Uncertain significance (1); Likely benign (1). Last evaluated 2024-03-01.

Allele frequency attached by ClinVar (database versions not stated): TOPMed 0.00003; gnomAD 0.00007; gnomAD exomes 0.00014; 1000 Genomes Project 0.00020; ExAC 0.00020; 1000 Genomes Project 30x 0.00031.
gnomAD v4.1: 215 of 1,614,144 alleles (0.013%); highest among the groups gnomAD compares: South Asian, 0.16%; 5 homozygotes.

Submissions (2):

CeGaT Center for Human Genetics Tuebingen
Classification: Likely benign. Last evaluated: 2024-03-01. Review status: criteria provided, single submitter. Criteria: CeGaT Center For Human Genetics Tuebingen Variant Classification Criteria Version 2. Collection method: clinical testing. Allele origin: germline. Affected: yes. Observed: 1 variant allele.
Comment: TANC1: BP4

Ambry Genetics
Classification: Uncertain significance. Last evaluated: 2022-04-12. Review status: criteria provided, single submitter. Criteria: Ambry Variant Classification Scheme 2023. Collection method: clinical testing. Allele origin: germline.

NM_033394.3(TANC1):c.5513T>C (p.Ile1838Thr)

Gene: TANC1 (tetratricopeptide repeat, ankyrin repeat and coiled-coil containing 1; plus strand). Cytogenetic location: 2q24.2.
Variant type: single nucleotide variant.
Coding change: c.5513T>C on transcript NM_033394.3 (MANE Select); coding-DNA position 5513, T replaced by C.
Protein change: p.Ile1838Thr; replaces isoleucine 1838 with threonine.
Molecular consequence: missense variant. On other transcripts: 3 prime UTR variant (1).
Genome position (GRCh38, 1-based): chr2:159,230,939, T>C. VCF-style: chr2-159230939-T-C. GRCh37 (hg19) VCF-style: chr2-160087450-T-C.
Other names: c.*1321T>C (NM_001145909.2); c.4910T>C, p.Ile1637Thr (NM_001350062.2); c.5144T>C, p.Ile1715Thr (NM_001350063.2); c.5492T>C, p.Ile1831Thr (NM_001350064.2, NM_001350065.2); short protein forms I1637T, I1831T, I1838T, I1715T.
Identifiers: ClinVar variation 2407716 (VCV002407716.23), dbSNP rs538699452, ClinGen allele CA1923173.
Genomic context (GRCh38, chr2:159,230,939, plus strand): 5'-GGATAACTAAGACTGTTTCTCATCTGTACCAGGAAAGTATCTCCAAACAGCAGCCTCATA[T>C]TAGTAATGAAGCCCACAGGAGCCACCTCACTGCAGCCAAACCAAAGCGATCATTTATAGA-3'
Protein context (NP_203752.2, residues 1828-1848): QESISKQQPH[Ile1838Thr]SNEAHRSHLT